The following is an entry in ClinVar:

NM_000301.5(PLG):c.1027C>T (p.Arg343Trp)

Gene: PLG (plasminogen; plus strand). Cytogenetic location: 6q26.
Variant type: single nucleotide variant.
Coding change: c.1027C>T on transcript NM_000301.5 (MANE Select); coding-DNA position 1027, C replaced by T.
Protein change: p.Arg343Trp; replaces arginine 343 with tryptophan.
Molecular consequence: missense variant.
Genome position (GRCh38, 1-based): chr6:160,718,769, C>T. VCF-style: chr6-160718769-C-T. GRCh37 (hg19) VCF-style: chr6-161139801-C-T.
Other names: short protein forms R343W.
Identifiers: ClinVar variation 2067271 (VCV002067271.4), dbSNP rs142647215, ClinGen allele CA4087650.

ClinVar aggregate classification (germline): Uncertain significance (1 of 4 stars; one submission).

Allele frequency attached by ClinVar (database versions not stated): gnomAD exomes 0.00002; ExAC 0.00008; TOPMed 0.00021; gnomAD 0.00022; ESP Exome Variant Server 0.00031.
gnomAD v4.1: 67 of 1,613,136 alleles (0.0042%); highest among the groups gnomAD compares: African/African-American, 0.064%; no homozygotes.

Submission:

Labcorp Genetics (formerly Invitae), Labcorp
Classification: Uncertain significance. Last evaluated: 2025-12-23. Review status: criteria provided, single submitter. Criteria: Invitae Variant Classification Sherloc (09022015). Collection method: clinical testing. Allele origin: germline.
Comment: This sequence change replaces arginine, which is basic and polar, with tryptophan, which is neutral and slightly polar, at codon 343 of the PLG protein (p.Arg343Trp). This variant is present in population databases (rs142647215, gnomAD 0.08%). This variant has not been reported in the literature in individuals affected with PLG-related conditions. ClinVar contains an entry for this variant (Variation ID: 2067271). Invitae Evidence Modeling of protein sequence and biophysical properties (such as structural, functional, and spatial information, amino acid conservation, physicochemical variation, residue mobility, and thermodynamic stability) indicates that this missense variant is not expected to disrupt PLG protein function with a negative predictive value of 80%. In summary, the available evidence is currently insufficient to determine the role of this variant in disease. Therefore, it has been classified as a Variant of Uncertain Significance.